The following is an entry in ClinVar:

ClinVar aggregate classification (germline): Uncertain significance. Review status: criteria provided, multiple submitters, no conflicts (2 of 4 stars). 2 submissions from 2 submitters: Uncertain significance (2). Last evaluated 2025-11-05.

Conditions:
Cardiovascular phenotype. Identifiers: MedGen CN230736.
RASopathy. Also called: rasopathies; Noonan spectrum disorder. Identifiers: Orphanet 536391, MedGen C5555857, MONDO:0021060.

Allele frequency attached by ClinVar (database versions not stated): gnomAD exomes below 0.00001.
gnomAD v4.1: 2 of 1,614,214 alleles (0.00012%); highest among the groups gnomAD compares: Admixed American, 0.0017%; no homozygotes.

Submissions (2):

Ambry Genetics
Classification: Uncertain significance for Cardiovascular phenotype. Last evaluated: 2025-11-05. Review status: criteria provided, single submitter. Criteria: Ambry Variant Classification Scheme 2023. Collection method: clinical testing. Allele origin: germline.
Comment: The p.P544S variant (also known as c.1630C>T), located in coding exon 11 of the CBL gene, results from a C to T substitution at nucleotide position 1630. The proline at codon 544 is replaced by serine, an amino acid with similar properties. This amino acid position is conserved. In addition, the in silico prediction for this alteration is inconclusive. Based on the available evidence, the clinical significance of this variant remains unclear.

Labcorp Genetics (formerly Invitae), Labcorp
Classification: Uncertain significance for RASopathy. Last evaluated: 2024-10-19. Review status: criteria provided, single submitter. Criteria: Invitae Variant Classification Sherloc (09022015). Collection method: clinical testing. Allele origin: germline.
Comment: This sequence change replaces proline, which is neutral and non-polar, with serine, which is neutral and polar, at codon 544 of the CBL protein (p.Pro544Ser). This variant is present in population databases (no rsID available, gnomAD 0.003%). This variant has not been reported in the literature in individuals affected with CBL-related conditions. ClinVar contains an entry for this variant (Variation ID: 1721038). Invitae Evidence Modeling of protein sequence and biophysical properties (such as structural, functional, and spatial information, amino acid conservation, physicochemical variation, residue mobility, and thermodynamic stability) indicates that this missense variant is not expected to disrupt CBL protein function with a negative predictive value of 95%. In summary, the available evidence is currently insufficient to determine the role of this variant in disease. Therefore, it has been classified as a Variant of Uncertain Significance.

NM_005188.4(CBL):c.1630C>T (p.Pro544Ser)

Gene: CBL (Cbl proto-oncogene; plus strand). Cytogenetic location: 11q23.3.
Variant type: single nucleotide variant.
Coding change: c.1630C>T on transcript NM_005188.4 (MANE Select); coding-DNA position 1630, C replaced by T.
Protein change: p.Pro544Ser; replaces proline 544 with serine.
Molecular consequence: missense variant.
Genome position (GRCh38, 1-based): chr11:119,285,255, C>T. VCF-style: chr11-119285255-C-T. GRCh37 (hg19) VCF-style: chr11-119155965-C-T.
Other names: c.1630C>T (NM_005188.2); short protein forms P544S.
Identifiers: ClinVar variation 1721038 (VCV001721038.6), dbSNP rs1314064262, ClinGen allele CA382919329.
Genomic context (GRCh38, chr11:119,285,255, plus strand): 5'-TCTGGCTCCCTTCATAAAGACAAACCATTGCCAGTACCTCCCACACTTCGAGATCTTCCA[C>T]CACCACCGCCTCCAGACCGGCCATATTCTGTTGGAGCAGAATCCCGACCTCAAAGACGCC-3'
Protein context (NP_005179.2, residues 534-554): PVPPTLRDLP[Pro544Ser]PPPPDRPYSV